The following is an entry in ClinVar:

ClinVar aggregate classification (germline): Likely pathogenic (1 of 4 stars; one submission).

Conditions:
Alport syndrome. Also called: Hemorrhagic familial nephritis; Hemorrhagic hereditary nephritis; Congenital hereditary hematuria. Identifiers: Orphanet 63, MedGen C1567741, MONDO:0018965.

Submission:

Natera, Inc.
Classification: Likely pathogenic for Alport syndrome. Last evaluated: 2024-08-02. Review status: criteria provided, single submitter. Criteria: Natera Variant Classification Schema (03/2026). Collection method: clinical testing. Allele origin: germline.
Comment: The c.4695dup variant in COL4A3 is a frameshift variant predicted to shift the reading frame and introduce a stop codon. This variant is expected to result in nonsense mediated decay, truncation, or a dysfunctional protein product. This variant is rare in the general population with a frequency below the threshold expected for the associated phenotype(s). Given the available evidence, this variant is classified as Likely Pathogenic.

NM_000091.5(COL4A3):c.4695dup (p.Asp1566Ter)

Genes: COL4A3 (collagen type IV alpha 3 chain; plus strand), MFF-DT (MFF divergent transcript; minus strand). Cytogenetic location: 2q36.3.
Variant type: Duplication.
Coding change: c.4695dup on transcript NM_000091.5 (MANE Select); coding-DNA position 4695, one base duplicated (T; older notation c.4695dupT).
Protein change: p.Asp1566Ter; replaces aspartic acid 1566 with a stop codon.
Molecular consequence: nonsense.
Genome position (GRCh38, 1-based): chr2:227,309,258, T duplicated. VCF-style (leftmost placement, unchanged base first): chr2-227309257-C-CT. GRCh37 (hg19) VCF-style: chr2-228173973-C-CT.
Other names: short protein forms D1566*.
Identifiers: ClinVar variation 4817266 (VCV004817266.1).
Genomic context (GRCh38, chr2:227,309,257, plus strand): 5'-GTTACAGATGCACTGTTTGTGAAGGTCCTGCGATCGCCATAGCCGTTCACAGCCAAACCA[C>CT]TGACATTCCTCCATGTCCTCACGGCTGGATTTCTCTCTGGAAAGGATTTTCATTCATCAT-3'